The following is an entry in ClinVar:

NM_001270508.2(TNFAIP3):c.465G>A (p.Thr155=)

Gene: TNFAIP3 (TNF alpha induced protein 3; plus strand). Cytogenetic location: 6q23.3.
Variant type: single nucleotide variant.
Coding change: c.465G>A on transcript NM_001270508.2 (MANE Select); coding-DNA position 465, G replaced by A.
Protein change: p.Thr155=; no amino-acid change (threonine 155 retained).
Molecular consequence: synonymous variant.
Genome position (GRCh38, 1-based): chr6:137,875,014, G>A. VCF-style: chr6-137875014-G-A. GRCh37 (hg19) VCF-style: chr6-138196151-G-A.
Other names: p.Thr155=; c.465G>A, p.Thr155= (NM_001270507.2, NM_006290.4).
Identifiers: ClinVar variation 993905 (VCV000993905.28), dbSNP rs140424499, ClinGen allele CA4019423.

ClinVar aggregate classification (germline): Likely benign. Review status: criteria provided, multiple submitters, no conflicts (2 of 4 stars). 5 submissions from 5 submitters: Likely benign (5). Last evaluated 2026-08-01.

Conditions:
Autoinflammatory syndrome, familial, Behcet-like 1 (AIFBL1). Also called: Haploinsufficiency of A20. Identifiers: Orphanet 674762, MedGen C4225218, MONDO:0800045, OMIM 616744.

Allele frequency attached by ClinVar (database versions not stated): 1000 Genomes Project 0.00020; ESP Exome Variant Server 0.00038; gnomAD 0.00040 and 0.00041; gnomAD exomes 0.00044 and 0.00057; TOPMed 0.00045; ExAC 0.00055; 1000 Genomes Project 30x 0.00078.
gnomAD v4.1: 709 of 1,614,168 alleles (0.044%); highest among the groups gnomAD compares: Middle Eastern, 0.13%; 1 homozygote.

Submissions (5):

CeGaT Center for Human Genetics Tuebingen
Classification: Likely benign. Last evaluated: 2026-08-01. Review status: criteria provided, single submitter. Criteria: CeGaT Center For Human Genetics Tuebingen Variant Classification Criteria Version 2. Collection method: clinical testing. Allele origin: germline. Affected: yes. Observed: 4 variant alleles.
Comment: TNFAIP3: BP4, BP7

Labcorp Genetics (formerly Invitae), Labcorp
Classification: Likely benign. Last evaluated: 2026-01-14. Review status: criteria provided, single submitter. Criteria: Invitae Variant Classification Sherloc (09022015). Collection method: clinical testing. Allele origin: germline.

Mayo Clinic Laboratories, Mayo Clinic
Classification: Likely benign. Last evaluated: 2025-06-10. Review status: criteria provided, single submitter. Criteria: ACMG Guidelines, 2015. Collection method: clinical testing. Allele origin: germline. Observed: 3 variant alleles.
Comment: BS1, BP4, BP7

Blueprint Genetics
Classification: Likely benign. Last evaluated: 2024-10-29. Review status: criteria provided, single submitter. Criteria: ACMG Guidelines, 2015. Collection method: clinical testing. Allele origin: germline.

ARUP Laboratories, Molecular Genetics and Genomics, ARUP Laboratories
Classification: Likely benign for Autoinflammatory syndrome, familial, Behcet-like 1. Last evaluated: 2024-07-08. Review status: criteria provided, single submitter. Criteria: ARUP Molecular Germline Variant Investigation Process 2024. Collection method: clinical testing. Allele origin: germline.